The following is an entry in ClinVar:

ClinVar aggregate classification (germline): Pathogenic. Review status: criteria provided, multiple submitters, no conflicts (2 of 4 stars). 24 submissions from 24 submitters: Pathogenic (23). 1 of the submissions does not count toward it. Last evaluated 2026-09-01.
ClinVar aggregate classification (somatic clinical impact): Tier I - Strong. Review status: criteria provided, single submitter (1 of 4 stars). 2 submissions from 1 submitter. Last evaluated 2023-06-16.
ClinVar aggregate classification (oncogenicity): Likely oncogenic. Review status: criteria provided, single submitter (1 of 4 stars). 2 submissions from 2 submitters. 1 of the submissions does not count toward it. Last evaluated 2025-12-29.

Conditions:
NF1-related disorder. Also called: NF1-related condition. Identifiers: MedGen CN379171.
Hereditary cancer-predisposing syndrome. Also called: Neoplastic Syndromes, Hereditary; Tumor predisposition; Hereditary Cancer Syndrome; Hereditary neoplastic syndrome. Identifiers: Orphanet 140162, MedGen C0027672, MeSH D009386, MONDO:0015356.
Neurofibromatosis, type 1 (NF1). Also called: VON RECKLINGHAUSEN DISEASE; Peripheral type neurofibromatosis; NEUROFIBROMATOSIS, TYPE I, SOMATIC; Neurofibromatosis, type I. Identifiers: Orphanet 636, MedGen C0027831, MONDO:0018975, OMIM 162200. Disease mechanism: loss of function.
Juvenile myelomonocytic leukemia (JMML). Also called: LEUKEMIA, JUVENILE MYELOMONOCYTIC, SOMATIC. Identifiers: Orphanet 86834, MedGen C0349639, MONDO:0011908, OMIM 607785, HP:0012209.
Neurofibromatosis-Noonan syndrome (NFNS). Also called: NEUROFIBROMATOSIS WITH NOONAN PHENOTYPE. Identifiers: Orphanet 638, MedGen C2931482, MONDO:0011035, OMIM 601321. Disease mechanism: loss of function.
Embryonal rhabdomyosarcoma (ERMS). Also called: Botryoid rhabdomyosarcoma (type of ERMS); Spindle cell rhabdomyosarcomas (type of ERMS). Identifiers: Orphanet 99757, MedGen C0206656, MONDO:0009993, HP:0006743.
Neuroepithelial neoplasm. Identifiers: MedGen C0206715, MONDO:0021193, HP:0030063.
Ganglioglioma. Also called: Mixed cell tumors containing both neural ganglionic cells and neural glial cell components. Identifiers: Orphanet 251949, MedGen C0206716, MONDO:0016733, HP:0033664.
Neoplasm. Also called: tumor; Neoplasms; Neoplasm (disease). Identifiers: MedGen C0027651, MeSH D009369, MONDO:0005070, HP:0002664.

Submissions 1 to 8 of 28:

CeGaT Center for Human Genetics Tuebingen
Classification: Pathogenic. Last evaluated: 2026-09-01. Review status: criteria provided, single submitter. Criteria: CeGaT Center For Human Genetics Tuebingen Variant Classification Criteria Version 2. Collection method: clinical testing. Allele origin: germline. Affected: yes. Observed: 1 variant allele.
Comment: NF1: PVS1, PM6:Strong, PS4, PM2

Myriad Genetics, Inc.
Classification: Pathogenic for Neurofibromatosis, type 1. Last evaluated: 2026-05-20. Review status: criteria provided, single submitter. Criteria: Myriad Autosomal Dominant, Autosomal Recessive and X-Linked Classification Criteria (2023). Collection method: clinical testing. Allele origin: unknown.
Comment: This variant is considered pathogenic. This variant creates a frameshift predicted to result in premature protein truncation.

Victorian Clinical Genetics Services, Murdoch Childrens Research Institute
Classification: Pathogenic for Neurofibromatosis, type 1. Last evaluated: 2026-05-01. Review status: criteria provided, single submitter. Criteria: ACMG Guidelines, 2015. Collection method: clinical testing. Allele origin: germline. Affected: yes.
Comment: This variant is classified as Pathogenic. Evidence in support of pathogenic classification: Variant is predicted to cause nonsense-mediated decay (NMD) and loss of protein (premature termination codon is located at least 54 nucleotides upstream of the final exon-exon junction); Variant is present in gnomAD <0.001 for a dominant condition (v4: 1 heterozygote(s), 0 homozygote(s)); This variant has strong previous evidence of pathogenicity in unrelated individuals. It has been classified as pathogenic by clinical laboratories (ClinVar); Other NMD-predicted variant(s) comparable to the one identified in this case have very strong previous evidence for pathogenicity (DECIPHER). Additional information: This variant is heterozygous; This gene is associated with autosomal dominant disease; Loss of function is a known mechanism of disease in this gene and is associated with neurofibromatosis type 1 (MONDO:0018975); Variants in this gene are known to have variable expressivity. Disease manifestation can be extremely variable, even within a family (PMID: 20301288).

Labcorp Genetics (formerly Invitae), Labcorp
Classification: Pathogenic for Neurofibromatosis, type 1. Last evaluated: 2026-02-02. Review status: criteria provided, single submitter. Criteria: Invitae Variant Classification Sherloc (09022015). Collection method: clinical testing. Allele origin: germline.
Comment: This sequence change creates a premature translational stop signal (p.Tyr2264Thrfs*5) in the NF1 gene. It is expected to result in an absent or disrupted protein product. Loss-of-function variants in NF1 are known to be pathogenic (PMID: 10712197, 23913538). This variant is not present in population databases (gnomAD no frequency). This premature translational stop signal has been observed in individual(s) with neurofibromatosis type 1 and with neurofibromatosis-Noonan syndrome (PMID: 7607663, 16835897, 24357598, 25325900). Invitae Evidence Modeling of clinical and family history, age, sex, and reported ancestry of multiple individuals with this NF1 variant has been performed. This variant is expected to be pathogenic with a positive predictive value of at least 99%. This is a validated machine learning model that incorporates the clinical features of 1,785,918 individuals referred to our laboratory for NF1 testing. This variant is also known as c.6850_6853delACTT. ClinVar contains an entry for this variant (Variation ID: 216866). Algorithms developed to predict the effect of sequence changes on RNA splicing suggest that this variant may disrupt the consensus splice site. For these reasons, this variant has been classified as Pathogenic.

Center for Genomic Medicine, Rigshospitalet, Copenhagen University Hospital
Classification: Likely oncogenic for Neoplasm. Last evaluated: 2025-12-29. Review status: criteria provided, single submitter. Criteria: ClinGen/CGC/VICC Guidelines for Oncogenicity, 2022. Collection method: clinical testing. Allele origin: somatic. Affected: yes.

Mayo Clinic Laboratories, Mayo Clinic
Classification: Pathogenic. Last evaluated: 2025-10-20. Review status: criteria provided, single submitter. Criteria: ACMG Guidelines, 2015. Collection method: clinical testing. Allele origin: germline. Observed: 1 variant allele.
Comment: PP4, PM2_supporting, PM6_strong, PS4_moderate, PVS1

Clinical Biomedical Laboratory, Shriners Hospital For Children - Canada
Classification: Pathogenic for Neurofibromatosis, type 1. Last evaluated: 2025-10-05. Review status: criteria provided, single submitter. Criteria: ACMG Guidelines, 2015. Collection method: clinical testing. Allele origin: germline. Affected: yes.
Comment: This variant is predicted to substitute a tyrosine residue by a threonine residue in exon 45 and introduce a stop codon 5 amino acids downstream. This is expected to lead to degradation of the affected transcript. Frameshift variants introducing a premature stop codon in NF1 are associated with neurofibromatosis type 1, which is the clinical diagnosis of the proband. This variant is absent from the Genome Aggregation Database (v2.1.1). The variant has been reported in the literature multiple times as a cause of neurofibromatosis 1 (PMID 18546366).

ARUP Laboratories, Molecular Genetics and Genomics, ARUP Laboratories
Classification: Pathogenic. Last evaluated: 2025-07-31. Review status: criteria provided, single submitter. Criteria: ARUP Molecular Germline Variant Investigation Process 2024. Collection method: clinical testing. Allele origin: germline.
Comment: The NF1 c.6852_6855delTTAC; p.Tyr2285fs variant (rs863224836 ClinVar Variation ID: 24866), also known as c.6789_6792delTTAC for NM_000267.3, is reported in the literature in multiple individuals and families affected with neurofibromatosis type 1 (Banerjee 2017, Brems 2009, Griffiths 2007, Lee 2006, Robinson 1995), and a family affected with neurofibromatosis-Noonan syndrome (Ekvall 2014). This variant is absent from the Genome Aggregation Database (v2.1.1), indicating it is not a common polymorphism. This variant causes a frameshift by deleting 4 nucleotides, so it is predicted to result in a truncated protein or mRNA subject to nonsense-mediated decay. Based on available information, this variant is considered to be pathogenic. References: Banerjee S et al. Novel phenotypes of NF1 patients from unrelated Chinese families with tibial pseudarthrosis and anemia. Oncotarget. 2017 Jun 13;8(24):39695-39702. PMID: 27980226 Brems H et al. Glomus tumors in neurofibromatosis type 1: genetic, functional, and clinical evidence of a novel association. Cancer Res. 2009 Sep 15;69(18):7393-401. PMID: 19738042 Ekvall S et al. Novel association of neurofibromatosis type 1-causing mutations in families with neurofibromatosis-Noonan syndrome. Am J Med Genet A. 2014 Mar;164A(3):579-87. PMID: 24357598 Griffiths S et al. Molecular diagnosis of neurofibromatosis type 1: 2 years experience. Fam Cancer. 2007;6(1):21-34. PMID: 16944272 Lee MJ et al. Identification of forty-five novel and twenty-three known NF1 mutations in Chinese patients with neurofibromatosis type 1. Hum Mutat. 2006 Aug;27(8):832. PMID: 16835897 Robinson PN et al. Two recurrent nonsense mutations and a 4 bp deletion in a quasi-symmetric element in exon 37 of the NF1 gene. Hum Genet. 1995 Jul;96(1):95-8. PMID: 7607663

NM_001042492.3(NF1):c.6852_6855del (p.Tyr2285fs)

Gene: NF1 (neurofibromin 1; plus strand). Cytogenetic location: 17q11.2.
Variant type: Deletion.
Coding change: c.6852_6855del on transcript NM_001042492.3 (MANE Select); coding-DNA positions 6852 to 6855, 4 bases deleted (TTAC; older notation c.6852_6855delTTAC).
Protein change: p.Tyr2285fs; shifts the reading frame from tyrosine 2285.
Molecular consequence: frameshift variant.
Genome position (GRCh38, 1-based): chr17:31,338,736-31,338,739, TTAC deleted; deleting any 4 consecutive bases within chr17:31,338,734-31,338,739 gives the same sequence; the c. name uses the placement nearest the transcript's 3' end. VCF-style (leftmost placement, unchanged base first): chr17-31338733-CACTT-C. GRCh37 (hg19) VCF-style: chr17-29665751-CACTT-C.
Other names: p.Tyr2264Thrfs*5; c.6789_6792delTTAC (NM_000267.3); c.6789_6792delTTAC, p.Tyr2264Thrfs (NM_000267.4); c.6852_6855delTTAC, p.Tyr2285Thrfs (NM_001042492.2); c.6787_6790delACTT (NM_000267.3); short protein forms Y2285fs.
Identifiers: ClinVar variation 216866 (VCV000216866.49), dbSNP rs1555535032, ClinGen allele CA336456.